The following is an entry in ClinVar:

NM_020442.6(VARS2):c.190G>A (p.Gly64Arg)

Gene: VARS2 (valyl-tRNA synthetase 2, mitochondrial; plus strand). Cytogenetic location: 6p21.33.
Variant type: single nucleotide variant.
Coding change: c.190G>A on transcript NM_020442.6 (MANE Select); coding-DNA position 190, G replaced by A.
Protein change: p.Gly64Arg; replaces glycine 64 with arginine.
Molecular consequence: missense variant. On other transcripts: intron variant (1).
Genome position (GRCh38, 1-based): chr6:30,915,026, G>A. VCF-style: chr6-30915026-G-A. GRCh37 (hg19) VCF-style: chr6-30882803-G-A.
Other names: c.280G>A, p.Gly94Arg (NM_001167734.2); c.-219-130G>A (NM_001167733.3); short protein forms G64R, G94R.
Identifiers: ClinVar variation 380189 (VCV000380189.13), dbSNP rs6926723, ClinGen allele CA3705513.

ClinVar aggregate classification (germline): Benign. Review status: criteria provided, multiple submitters, no conflicts (2 of 4 stars). 3 submissions from 3 submitters: Benign (2). 1 of the submissions does not count toward it. Last evaluated 2026-02-03.

Allele frequency attached by ClinVar (database versions not stated): gnomAD exomes 0.03592 and 0.05063; ExAC 0.04897; ESP Exome Variant Server 0.06457; 1000 Genomes Project 0.06490; gnomAD 0.06503 and 0.06682; 1000 Genomes Project 30x 0.06761; TOPMed 0.07485.
gnomAD v4.1: 63,120 of 1,613,386 alleles (3.9%); highest among the groups gnomAD compares: African/African-American, 13%; 2,013 homozygotes.

Submissions (3):

Labcorp Genetics (formerly Invitae), Labcorp
Classification: Benign. Last evaluated: 2026-02-03. Review status: criteria provided, single submitter. Criteria: Invitae Variant Classification Sherloc (09022015). Collection method: clinical testing. Allele origin: germline.

GeneDx
Classification: Benign. Last evaluated: 2015-12-17. Review status: criteria provided, single submitter. Criteria: GeneDx Variant Classification (06012015). Collection method: clinical testing. Allele origin: germline. Affected: yes.
Comment: This variant is considered likely benign or benign based on one or more of the following criteria: it is a conservative change, it occurs at a poorly conserved position in the protein, it is predicted to be benign by multiple in silico algorithms, and/or has population frequency not consistent with disease.

Mayo Clinic Laboratories, Mayo Clinic
Classification: Benign. Last evaluated: 2016-02-29. Review status: no assertion criteria provided. Collection method: clinical testing. Allele origin: unknown. Not counted in ClinVar's aggregate classification.